The following is an entry in ClinVar:

NM_005535.3(IL12RB1):c.1456C>T (p.Arg486Ter)

Gene: IL12RB1 (interleukin 12 receptor subunit beta 1; minus strand). Cytogenetic location: 19p13.11.
Variant type: single nucleotide variant.
Coding change: c.1456C>T on transcript NM_005535.3 (MANE Select); coding-DNA position 1456, C replaced by T.
Protein change: p.Arg486Ter; replaces arginine 486 with a stop codon.
Molecular consequence: nonsense.
Genome position (GRCh38, 1-based): chr19:18,066,569, G>A on the plus strand (C>T on the coding strand, the complement: IL12RB1 is on the minus strand). VCF-style: chr19-18066569-G-A. GRCh37 (hg19) VCF-style: chr19-18177379-G-A.
Other names: c.1456C>T, p.Arg486Ter (NM_001290023.2); c.1576C>T, p.Arg526Ter (NM_001290024.2); short protein forms R486*, R526*.
Identifiers: ClinVar variation 1076653 (VCV001076653.10), dbSNP rs576374797, ClinGen allele CA9304830.

ClinVar aggregate classification (germline): Pathogenic. Review status: criteria provided, multiple submitters, no conflicts (2 of 4 stars). 2 submissions from 2 submitters: Pathogenic (2). Last evaluated 2025-07-26.

Conditions:
IL12RB1-related disorders.
Mendelian susceptibility to mycobacterial diseases due to complete IL12RB1 deficiency. Also called: Immunodeficiency 30; IL12RB1 DEFICIENCY. Identifiers: Orphanet 319552, MedGen C4013949, MONDO:0013955, OMIM 614891.

Allele frequency attached by ClinVar (database versions not stated): TOPMed below 0.00001; gnomAD 0.00001; gnomAD exomes 0.00001 and 0.00002; ExAC 0.00002; 1000 Genomes Project 30x 0.00016; 1000 Genomes Project 0.00020.
gnomAD v4.1: 13 of 1,613,352 alleles (0.00081%); highest among the groups gnomAD compares: East Asian, 0.0045%; no homozygotes.

Submissions (2):

Labcorp Genetics (formerly Invitae), Labcorp
Classification: Pathogenic for Mendelian susceptibility to mycobacterial diseases due to complete IL12RB1 deficiency. Last evaluated: 2025-07-26. Review status: criteria provided, single submitter. Criteria: Invitae Variant Classification Sherloc (09022015). Collection method: clinical testing. Allele origin: germline.
Comment: This sequence change creates a premature translational stop signal (p.Arg486*) in the IL12RB1 gene. It is expected to result in an absent or disrupted protein product. Loss-of-function variants in IL12RB1 are known to be pathogenic (PMID: 9603733, 12591909). This variant is present in population databases (rs576374797, gnomAD 0.003%). This premature translational stop signal has been observed in individual(s) with IL12RB1-related conditions (PMID: 19379268, 24678409). ClinVar contains an entry for this variant (Variation ID: 1076653). For these reasons, this variant has been classified as Pathogenic.

Blueprint Genetics
Classification: Pathogenic for IL12RB1-related disorders. Last evaluated: 2021-06-11. Review status: criteria provided, single submitter. Criteria: ACMG Guidelines, 2015. Collection method: clinical testing. Allele origin: germline. Affected: yes. Observed: 1 variant allele.

Literature cited by the submitters: PubMed 9603733 (cited by Labcorp Genetics (formerly Invitae), Labcorp); PubMed 12591909 (cited by Labcorp Genetics (formerly Invitae), Labcorp); PubMed 19379268 (cited by Labcorp Genetics (formerly Invitae), Labcorp); PubMed 24678409 (cited by Labcorp Genetics (formerly Invitae), Labcorp).